The following is an entry in ClinVar:

NM_004782.4(SNAP29):c.157G>A (p.Ala53Thr)

Gene: SNAP29 (synaptosome associated protein 29; plus strand). Cytogenetic location: 22q11.21.
Variant type: single nucleotide variant.
Coding change: c.157G>A on transcript NM_004782.4 (MANE Select); coding-DNA position 157, G replaced by A.
Protein change: p.Ala53Thr; replaces alanine 53 with threonine.
Molecular consequence: missense variant.
Genome position (GRCh38, 1-based): chr22:20,859,267, G>A. VCF-style: chr22-20859267-G-A. GRCh37 (hg19) VCF-style: chr22-21213555-G-A.
Other names: short protein forms A53T.
Identifiers: ClinVar variation 1956135 (VCV001956135.5), dbSNP rs974505427, ClinGen allele CA322278449.
Genomic context (GRCh38, chr22:20,859,267, plus strand): 5'-GACGGGCCCGACGCGCCCGCGGACAGGCAGCAGTACTTGCGGCAGGAGGTCCTCCGCAGG[G>A]CTGAGGCCACGGCCGCCAGCACCAGCAGGTCCCTGGCCCTCATGTACGAGTCCGAGAAGG-3'
Protein context (NP_004773.1, residues 43-63): QYLRQEVLRR[Ala53Thr]EATAASTSRS

ClinVar aggregate classification (germline): Uncertain significance (1 of 4 stars; one submission).

Allele frequency attached by ClinVar (database versions not stated): gnomAD exomes below 0.00001.
gnomAD v4.1: 1 of 1,608,280 alleles (0.000062%); highest among the groups gnomAD compares: Non-Finnish European, 0.000085%; no homozygotes.

Submission:

Labcorp Genetics (formerly Invitae), Labcorp
Classification: Uncertain significance. Last evaluated: 2023-08-30. Review status: criteria provided, single submitter. Criteria: Invitae Variant Classification Sherloc (09022015). Collection method: clinical testing. Allele origin: germline.
Comment: ClinVar contains an entry for this variant (Variation ID: 1956135). Advanced modeling of protein sequence and biophysical properties (such as structural, functional, and spatial information, amino acid conservation, physicochemical variation, residue mobility, and thermodynamic stability) performed at Invitae indicates that this missense variant is not expected to disrupt SNAP29 protein function. In summary, the available evidence is currently insufficient to determine the role of this variant in disease. Therefore, it has been classified as a Variant of Uncertain Significance. This sequence change replaces alanine, which is neutral and non-polar, with threonine, which is neutral and polar, at codon 53 of the SNAP29 protein (p.Ala53Thr). This variant is not present in population databases (gnomAD no frequency). This variant has not been reported in the literature in individuals affected with SNAP29-related conditions.